The following is an entry in ClinVar:

ClinVar aggregate classification (germline): Uncertain significance (1 of 4 stars; one submission).

Conditions:
Duchenne muscular dystrophy (DMD). Also called: MUSCULAR DYSTROPHY, PSEUDOHYPERTROPHIC PROGRESSIVE, DUCHENNE TYPE; Duchenne Muscular Dystrophy (DMD). Identifiers: Orphanet 98896, MedGen C0013264, MONDO:0010679, OMIM 310200.

Allele frequency attached by ClinVar (database versions not stated): gnomAD exomes below 0.00001; gnomAD 0.00002.
gnomAD v4.1: 4 of 1,209,604 alleles (0.00033%); highest among the groups gnomAD compares: Admixed American, 0.0044%; no homozygotes.

Submission:

Labcorp Genetics (formerly Invitae), Labcorp
Classification: Uncertain significance for Duchenne muscular dystrophy. Last evaluated: 2025-03-17. Review status: criteria provided, single submitter. Criteria: Invitae Variant Classification Sherloc (09022015). Collection method: clinical testing. Allele origin: germline.
Comment: This sequence change replaces serine, which is neutral and polar, with glycine, which is neutral and non-polar, at codon 3634 of the DMD protein (p.Ser3634Gly). This variant is not present in population databases (gnomAD no frequency). This variant has not been reported in the literature in individuals affected with DMD-related conditions. ClinVar contains an entry for this variant (Variation ID: 1368577). Invitae Evidence Modeling of protein sequence and biophysical properties (such as structural, functional, and spatial information, amino acid conservation, physicochemical variation, residue mobility, and thermodynamic stability) indicates that this missense variant is not expected to disrupt DMD protein function with a negative predictive value of 95%. In summary, the available evidence is currently insufficient to determine the role of this variant in disease. Therefore, it has been classified as a Variant of Uncertain Significance.

NM_004006.3(DMD):c.10900A>G (p.Ser3634Gly)

Gene: DMD (dystrophin; minus strand). Cytogenetic location: Xp21.2.
Variant type: single nucleotide variant.
Coding change: c.10900A>G on transcript NM_004006.3 (MANE Select); coding-DNA position 10900, A replaced by G.
Protein change: p.Ser3634Gly; replaces serine 3634 with glycine.
Molecular consequence: missense variant.
Genome position (GRCh38, 1-based): chrX:31,146,312, T>C on the plus strand (A>G on the coding strand, the complement: DMD is on the minus strand). VCF-style: chrX-31146312-T-C. GRCh37 (hg19) VCF-style: chrX-31164429-T-C.
Other names: c.10876A>G, p.Ser3626Gly (NM_000109.4); c.10888A>G, p.Ser3630Gly (NM_004009.3); c.10531A>G, p.Ser3511Gly (NM_004010.3); c.6877A>G, p.Ser2293Gly (NM_004011.4); c.6868A>G, p.Ser2290Gly (NM_004012.4); c.3520A>G, p.Ser1174Gly (NM_004013.3, NM_004021.3); c.2713A>G, p.Ser905Gly (NM_004014.3); c.1696A>G, p.Ser566Gly (NM_004015.3, NM_004016.3); and 3 more; short protein forms S1064G, S1174G, S2293G, S3626G, S3630G, S3634G, S553G, S3511G.
Identifiers: ClinVar variation 1368577 (VCV001368577.6), dbSNP rs941558150, ClinGen allele CA328402771.